The following is an entry in ClinVar:

ClinVar aggregate classification (germline): Uncertain significance. Review status: criteria provided, multiple submitters, no conflicts (2 of 4 stars). 2 submissions from 2 submitters: Uncertain significance (2). Last evaluated 2025-06-24.

Conditions:
Inborn genetic diseases. Identifiers: MedGen C0950123, MeSH D030342.

Allele frequency attached by ClinVar (database versions not stated): TOPMed below 0.00001; gnomAD 0.00001.
gnomAD v4.1: 4 of 1,607,516 alleles (0.00025%); highest among the groups gnomAD compares: African/African-American, 0.004%; no homozygotes.

Submissions (2):

Ambry Genetics
Classification: Uncertain significance for Inborn genetic diseases. Last evaluated: 2025-06-24. Review status: criteria provided, single submitter. Criteria: Ambry Variant Classification Scheme 2023. Collection method: clinical testing. Allele origin: germline.

Labcorp Genetics (formerly Invitae), Labcorp
Classification: Uncertain significance. Last evaluated: 2023-08-28. Review status: criteria provided, single submitter. Criteria: Invitae Variant Classification Sherloc (09022015). Collection method: clinical testing. Allele origin: germline.
Comment: This sequence change replaces methionine, which is neutral and non-polar, with valine, which is neutral and non-polar, at codon 562 of the GRM6 protein (p.Met562Val). This variant is not present in population databases (gnomAD no frequency). This variant has not been reported in the literature in individuals affected with GRM6-related conditions. ClinVar contains an entry for this variant (Variation ID: 1448313). Advanced modeling of protein sequence and biophysical properties (such as structural, functional, and spatial information, amino acid conservation, physicochemical variation, residue mobility, and thermodynamic stability) performed at Invitae indicates that this missense variant is not expected to disrupt GRM6 protein function. In summary, the available evidence is currently insufficient to determine the role of this variant in disease. Therefore, it has been classified as a Variant of Uncertain Significance.

NM_000843.4(GRM6):c.1684A>G (p.Met562Val)

Genes: GRM6 (glutamate metabotropic receptor 6; minus strand), ZNF454 (zinc finger protein 454; plus strand). Cytogenetic location: 5q35.3.
Variant type: single nucleotide variant.
Coding change: c.1684A>G on transcript NM_000843.4 (MANE Select); coding-DNA position 1684, A replaced by G.
Protein change: p.Met562Val; replaces methionine 562 with valine.
Molecular consequence: missense variant.
Genome position (GRCh38, 1-based): chr5:178,986,570, T>C on the plus strand (A>G on the coding strand, the complement: GRM6 is on the minus strand). VCF-style: chr5-178986570-T-C. GRCh37 (hg19) VCF-style: chr5-178413571-T-C.
Other names: c.1684A>G (NM_000843.3); short protein forms M562V.
Identifiers: ClinVar variation 1448313 (VCV001448313.9), dbSNP rs935603179, ClinGen allele CA133025973.